The following is an entry in ClinVar:

NM_000126.4(ETFA):c.592G>C (p.Glu198Gln)

Gene: ETFA (electron transfer flavoprotein subunit alpha; minus strand). Cytogenetic location: 15q24.2.
Variant type: single nucleotide variant.
Coding change: c.592G>C on transcript NM_000126.4 (MANE Select); coding-DNA position 592, G replaced by C.
Protein change: p.Glu198Gln; replaces glutamic acid 198 with glutamine.
Molecular consequence: missense variant.
Genome position (GRCh38, 1-based): chr15:76,285,709, C>G on the plus strand (G>C on the coding strand, the complement: ETFA is on the minus strand). VCF-style: chr15-76285709-C-G. GRCh37 (hg19) VCF-style: chr15-76578050-C-G.
Other names: c.445G>C, p.Glu149Gln (NM_001127716.2); short protein forms E149Q, E198Q.
Identifiers: ClinVar variation 1426913 (VCV001426913.4), dbSNP rs2141530756, ClinGen allele CA393513255.

ClinVar aggregate classification (germline): Uncertain significance (1 of 4 stars; one submission).

Conditions:
Multiple acyl-CoA dehydrogenase deficiency (MADD). Also called: Glutaric aciduria, type 2; ETHYLMALONIC-ADIPICACIDURIA; GA II; Glutaric acidemia type II; GA 2; Glutaric Acidemia type 2. Identifiers: Orphanet 26791, MedGen C0268596, MONDO:0009282, OMIM 231680.

Submission:

Labcorp Genetics (formerly Invitae), Labcorp
Classification: Uncertain significance for Multiple acyl-CoA dehydrogenase deficiency. Last evaluated: 2021-07-09. Review status: criteria provided, single submitter. Criteria: Invitae Variant Classification Sherloc (09022015). Collection method: clinical testing. Allele origin: germline.
Comment: In summary, the available evidence is currently insufficient to determine the role of this variant in disease. Therefore, it has been classified as a Variant of Uncertain Significance. Algorithms developed to predict the effect of missense changes on protein structure and function (SIFT, PolyPhen-2, Align-GVGD) all suggest that this variant is likely to be tolerated. This variant has not been reported in the literature in individuals affected with ETFA-related conditions. This variant is not present in population databases (ExAC no frequency). This sequence change replaces glutamic acid with glutamine at codon 198 of the ETFA protein (p.Glu198Gln). The glutamic acid residue is highly conserved and there is a small physicochemical difference between glutamic acid and glutamine.